The following is an entry in ClinVar:

NM_014915.3(ANKRD26):c.1269G>A (p.Glu423=)

Gene: ANKRD26 (ankyrin repeat domain 26; minus strand). Cytogenetic location: 10p12.1.
Variant type: single nucleotide variant.
Coding change: c.1269G>A on transcript NM_014915.3 (MANE Select); coding-DNA position 1269, G replaced by A.
Protein change: p.Glu423=; no amino-acid change (glutamic acid 423 retained).
Molecular consequence: synonymous variant.
Genome position (GRCh38, 1-based): chr10:27,066,487, C>T on the plus strand (G>A on the coding strand, the complement: ANKRD26 is on the minus strand). VCF-style: chr10-27066487-C-T. GRCh37 (hg19) VCF-style: chr10-27355416-C-T.
Other names: c.1269G>A, p.Glu423= (NM_001256053.2).
Identifiers: ClinVar variation 2886722 (VCV002886722.3), dbSNP rs1386579890, ClinGen allele CA468487849.

ClinVar aggregate classification (germline): Uncertain significance (1 of 4 stars; one submission).

Allele frequency attached by ClinVar (database versions not stated): TOPMed 0.00001.

Submission:

Labcorp Genetics (formerly Invitae), Labcorp
Classification: Uncertain significance. Last evaluated: 2023-01-28. Review status: criteria provided, single submitter. Criteria: Invitae Variant Classification Sherloc (09022015). Collection method: clinical testing. Allele origin: germline.
Comment: This sequence change affects codon 423 of the ANKRD26 mRNA. It is a 'silent' change, meaning that it does not change the encoded amino acid sequence of the ANKRD26 protein. This variant also falls at the last nucleotide of exon 11, which is part of the consensus splice site for this exon. The frequency data for this variant in the population databases is considered unreliable, as metrics indicate poor data quality at this position in the gnomAD database. This variant has not been reported in the literature in individuals affected with ANKRD26-related conditions. Variants that disrupt the consensus splice site are a relatively common cause of aberrant splicing (PMID: 17576681, 9536098). Algorithms developed to predict the effect of sequence changes on RNA splicing suggest that this variant may disrupt the consensus splice site. In summary, the available evidence is currently insufficient to determine the role of this variant in disease. Therefore, it has been classified as a Variant of Uncertain Significance.

Literature cited by the submitters: PubMed 17576681; PubMed 9536098.